The following is an entry in ClinVar:

NM_016222.4(DDX41):c.1435del (p.Arg479fs)

Gene: DDX41 (DEAD-box helicase 41; minus strand). Cytogenetic location: 5q35.3.
Variant type: Deletion.
Coding change: c.1435del on transcript NM_016222.4 (MANE Select); coding-DNA position 1435, one base deleted (C; older notation c.1435delC).
Protein change: p.Arg479fs; shifts the reading frame from arginine 479.
Molecular consequence: frameshift variant.
Genome position (GRCh38, 1-based): chr5:177,512,610, G deleted on the plus strand (C on the coding strand, the reverse complement: DDX41 is on the minus strand); the first of 2 consecutive G bases (chr5:177,512,610-177,512,611); deleting either gives the same sequence. VCF-style (leftmost placement, unchanged base first): chr5-177512609-CG-C. GRCh37 (hg19) VCF-style: chr5-176939610-CG-C.
Other names: c.1057del, p.Arg353fs (NM_001321732.2, NM_001321830.2); short protein forms R353fs, R479fs.
Identifiers: ClinVar variation 4869613 (VCV004869613.1).

ClinVar aggregate classification (germline): Pathogenic (1 of 4 stars; one submission).

Conditions:
Inborn genetic diseases. Identifiers: MedGen C0950123, MeSH D030342.

Submission:

Ambry Genetics
Classification: Pathogenic for Inborn genetic diseases. Last evaluated: 2026-05-11. Review status: criteria provided, single submitter. Criteria: Ambry Variant Classification Scheme 2023. Collection method: clinical testing. Allele origin: germline.
Comment: The c.1435delC variant, located in coding exon 14 of the DDX41 gene, results from a deletion of one nucleotide at nucleotide position 1435, causing a translational frameshift with a predicted alternate stop codon (p.R479Gfs*8). This variant is considered to be rare based on population cohorts in the Genome Aggregation Database (gnomAD). This alteration is expected to result in loss of function by premature protein truncation or nonsense-mediated mRNA decay. As such, this alteration is interpreted as a disease-causing mutation.